The following is an entry in ClinVar:

ClinVar aggregate classification (germline): Uncertain significance (1 of 4 stars; one submission).

Submission:

Labcorp Genetics (formerly Invitae), Labcorp
Classification: Uncertain significance. Last evaluated: 2022-09-12. Review status: criteria provided, single submitter. Criteria: Invitae Variant Classification Sherloc (09022015). Collection method: clinical testing. Allele origin: germline.
Comment: Advanced modeling of protein sequence and biophysical properties (such as structural, functional, and spatial information, amino acid conservation, physicochemical variation, residue mobility, and thermodynamic stability) performed at Invitae indicates that this missense variant is not expected to disrupt GNB3 protein function. In summary, the available evidence is currently insufficient to determine the role of this variant in disease. Therefore, it has been classified as a Variant of Uncertain Significance. ClinVar contains an entry for this variant (Variation ID: 1379741). This variant has not been reported in the literature in individuals affected with GNB3-related conditions. This variant is not present in population databases (gnomAD no frequency). This sequence change replaces leucine, which is neutral and non-polar, with isoleucine, which is neutral and non-polar, at codon 198 of the GNB3 protein (p.Leu198Ile).

NM_002075.4(GNB3):c.592C>A (p.Leu198Ile)

Gene: GNB3 (G protein subunit beta 3; plus strand). Cytogenetic location: 12p13.31.
Variant type: single nucleotide variant.
Coding change: c.592C>A on transcript NM_002075.4 (MANE Select); coding-DNA position 592, C replaced by A.
Protein change: p.Leu198Ile; replaces leucine 198 with isoleucine.
Molecular consequence: missense variant.
Genome position (GRCh38, 1-based): chr12:6,843,871, C>A. VCF-style: chr12-6843871-C-A. GRCh37 (hg19) VCF-style: chr12-6953035-C-A.
Other names: c.589C>A, p.Leu197Ile (NM_001297571.2); short protein forms L197I, L198I.
Identifiers: ClinVar variation 1379741 (VCV001379741.6), dbSNP rs2137984934, ClinGen allele CA383673408.